The following is an entry in ClinVar:

ClinVar aggregate classification (germline): Pathogenic (1 of 4 stars; one submission).

Conditions:
Marfan syndrome (MFS). Also called: MARFAN SYNDROME, TYPE I; Marfan syndrome type 1; Marfan's syndrome; Marfan syndrome, classic; FBN1-Related Marfan Syndrome. Identifiers: Orphanet 284963, Orphanet 558, MedGen C0024796, MONDO:0007947, OMIM 154700.
Familial thoracic aortic aneurysm and aortic dissection (TAAD). Also called: Thoracic aortic aneurysms and dissections. Identifiers: Orphanet 91387, MedGen C4707243, MONDO:0019625.

Submission:

Labcorp Genetics (formerly Invitae), Labcorp
Classification: Pathogenic for Marfan syndrome; Familial thoracic aortic aneurysm and aortic dissection. Last evaluated: 2022-09-07. Review status: criteria provided, single submitter. Criteria: Invitae Variant Classification Sherloc (09022015). Collection method: clinical testing. Allele origin: germline.
Comment: For these reasons, this variant has been classified as Pathogenic. ClinVar contains an entry for this variant (Variation ID: 1459424). This variant has not been reported in the literature in individuals affected with FBN1-related conditions. This variant is not present in population databases (gnomAD no frequency). This sequence change creates a premature translational stop signal (p.Cys1068*) in the FBN1 gene. It is expected to result in an absent or disrupted protein product. Loss-of-function variants in FBN1 are known to be pathogenic (PMID: 17657824, 19293843).

Literature cited by the submitters: PubMed 17657824; PubMed 19293843.

NM_000138.5(FBN1):c.3204C>A (p.Cys1068Ter)

Gene: FBN1 (fibrillin 1; minus strand). Cytogenetic location: 15q21.1.
Variant type: single nucleotide variant.
Coding change: c.3204C>A on transcript NM_000138.5 (MANE Select); coding-DNA position 3204, C replaced by A.
Protein change: p.Cys1068Ter; replaces cysteine 1068 with a stop codon.
Molecular consequence: nonsense.
Genome position (GRCh38, 1-based): chr15:48,488,372, G>T on the plus strand (C>A on the coding strand, the complement: FBN1 is on the minus strand). VCF-style: chr15-48488372-G-T. GRCh37 (hg19) VCF-style: chr15-48780569-G-T.
Other names: short protein forms C1068*.
Identifiers: ClinVar variation 1459424 (VCV001459424.6), dbSNP rs886038248, ClinGen allele CA392327830.